The following is an entry in ClinVar:

ClinVar aggregate classification (germline): Uncertain significance. Review status: criteria provided, multiple submitters, no conflicts (2 of 4 stars). 2 submissions from 2 submitters: Uncertain significance (2). Last evaluated 2024-06-17.

Conditions:
Inborn genetic diseases. Identifiers: MedGen C0950123, MeSH D030342.

Allele frequency attached by ClinVar (database versions not stated): gnomAD exomes below 0.00001; TOPMed below 0.00001.
gnomAD v4.1: 2 of 1,610,072 alleles (0.00012%); highest among the groups gnomAD compares: Admixed American, 0.0017%; no homozygotes.

Submissions (2):

Ambry Genetics
Classification: Uncertain significance for Inborn genetic diseases. Last evaluated: 2024-06-17. Review status: criteria provided, single submitter. Criteria: Ambry Variant Classification Scheme 2023. Collection method: clinical testing. Allele origin: germline.

Labcorp Genetics (formerly Invitae), Labcorp
Classification: Uncertain significance. Last evaluated: 2022-12-07. Review status: criteria provided, single submitter. Criteria: Invitae Variant Classification Sherloc (09022015). Collection method: clinical testing. Allele origin: germline.
Comment: The frequency data for this variant in the population databases is considered unreliable, as metrics indicate poor data quality at this position in the gnomAD database. This sequence change replaces leucine, which is neutral and non-polar, with phenylalanine, which is neutral and non-polar, at codon 1202 of the DCHS1 protein (p.Leu1202Phe). This variant has not been reported in the literature in individuals affected with DCHS1-related conditions. Advanced modeling of protein sequence and biophysical properties (such as structural, functional, and spatial information, amino acid conservation, physicochemical variation, residue mobility, and thermodynamic stability) performed at Invitae indicates that this missense variant is not expected to disrupt DCHS1 protein function. In summary, the available evidence is currently insufficient to determine the role of this variant in disease. Therefore, it has been classified as a Variant of Uncertain Significance.

NM_003737.4(DCHS1):c.3604C>T (p.Leu1202Phe)

Gene: DCHS1 (dachsous cadherin-related 1; minus strand). Cytogenetic location: 11p15.4.
Variant type: single nucleotide variant.
Coding change: c.3604C>T on transcript NM_003737.4 (MANE Select); coding-DNA position 3604, C replaced by T.
Protein change: p.Leu1202Phe; replaces leucine 1202 with phenylalanine.
Molecular consequence: missense variant.
Genome position (GRCh38, 1-based): chr11:6,631,687, G>A on the plus strand (C>T on the coding strand, the complement: DCHS1 is on the minus strand). VCF-style: chr11-6631687-G-A. GRCh37 (hg19) VCF-style: chr11-6652918-G-A.
Other names: c.3604C>T (NM_003737.2); short protein forms L1202F.
Identifiers: ClinVar variation 2716718 (VCV002716718.4), dbSNP rs1266425571, ClinGen allele CA379411581.